The following is an entry in ClinVar:

NM_020822.3(KCNT1):c.534G>C (p.Ala178=)

Gene: KCNT1 (potassium sodium-activated channel subfamily T member 1; plus strand). Cytogenetic location: 9q34.3.
Variant type: single nucleotide variant.
Coding change: c.534G>C on transcript NM_020822.3 (MANE Select); coding-DNA position 534, G replaced by C.
Protein change: p.Ala178=; no amino-acid change (alanine 178 retained).
Molecular consequence: synonymous variant.
Genome position (GRCh38, 1-based): chr9:135,755,163, G>C. VCF-style: chr9-135755163-G-C. GRCh37 (hg19) VCF-style: chr9-138647009-G-C.
Other names: c.390G>C, p.Ala130= (NM_001272003.2).
Identifiers: ClinVar variation 682288 (VCV000682288.6), dbSNP rs144250793, ClinGen allele CA467688489.

ClinVar aggregate classification (germline): Likely benign. Review status: criteria provided, multiple submitters, no conflicts (2 of 4 stars). 4 submissions from 3 submitters: Likely benign (4). Last evaluated 2022-03-15.

Conditions:
Autosomal dominant nocturnal frontal lobe epilepsy 5. Also called: Epilepsy, nocturnal frontal lobe, 5; KCNT1-Related Epilepsy; CILIARY DYSKINESIA, PRIMARY, 28, WITHOUT SITUS INVERSUS; CILIARY DYSKINESIA, PRIMARY, 28, WITH SITUS INVERSUS. Identifiers: Orphanet 98784, MedGen C3554306, MONDO:0014002, OMIM 615005.
Developmental and epileptic encephalopathy, 14 (DEE14). Also called: Early infantile epileptic encephalopathy 14. Identifiers: Orphanet 293181, MedGen C3554195, MONDO:0013989, OMIM 614959.

Allele frequency attached by ClinVar (database versions not stated): TOPMed 0.00002.
gnomAD v4.1: 23 of 1,610,978 alleles (0.0014%); highest among the groups gnomAD compares: Non-Finnish European, 0.0019%; no homozygotes.

Submissions (4):

Genome-Nilou Lab
Classification: Likely benign for Developmental and epileptic encephalopathy, 14. Last evaluated: 2022-03-15. Review status: criteria provided, single submitter. Criteria: ACMG Guidelines, 2015. Collection method: clinical testing. Allele origin: germline. Affected: no.

Genome-Nilou Lab
Classification: Likely benign for Autosomal dominant nocturnal frontal lobe epilepsy 5. Last evaluated: 2022-03-15. Review status: criteria provided, single submitter. Criteria: ACMG Guidelines, 2015. Collection method: clinical testing. Allele origin: germline. Affected: no.

GeneDx
Classification: Likely benign. Last evaluated: 2018-04-20. Review status: criteria provided, single submitter. Criteria: GeneDx Variant Classification (06012015). Collection method: clinical testing. Allele origin: germline. Affected: yes.
Comment: This variant is considered likely benign or benign based on one or more of the following criteria: it is a conservative change, it occurs at a poorly conserved position in the protein, it is predicted to be benign by multiple in silico algorithms, and/or has population frequency not consistent with disease.

Genetic Services Laboratory, University of Chicago
Classification: Likely benign. Last evaluated: 2017-11-21. Review status: criteria provided, single submitter. Criteria: ACMG Guidelines, 2015. Collection method: clinical testing. Allele origin: germline. Affected: no.